The following is an entry in ClinVar:

NM_015506.3(MMACHC):c.500del (p.Pro167fs)

Gene: MMACHC (metabolism of cobalamin associated C; plus strand). Cytogenetic location: 1p34.1.
Variant type: Deletion.
Coding change: c.500del on transcript NM_015506.3 (MANE Select); coding-DNA position 500, one base deleted (C; older notation c.500delC).
Protein change: p.Pro167fs; shifts the reading frame from proline 167.
Molecular consequence: frameshift variant.
Genome position (GRCh38, 1-based): chr1:45,508,866, C deleted; the last of 2 consecutive C bases (chr1:45,508,865-45,508,866); deleting either gives the same sequence. VCF-style (leftmost placement, unchanged base first): chr1-45508864-GC-G. GRCh37 (hg19) VCF-style: chr1-45974536-GC-G.
Other names: c.500del (NM_015506.2); c.329del, p.Pro110fs (NM_001330540.2); short protein forms P167fs, P110fs.
Identifiers: ClinVar variation 553370 (VCV000553370.17), dbSNP rs1553162918, ClinGen allele CA658821028.

ClinVar aggregate classification (germline): Pathogenic. Review status: criteria provided, multiple submitters, no conflicts (2 of 4 stars). 6 submissions from 6 submitters: Pathogenic (4). 2 of the submissions do not count toward it. Last evaluated 2023-04-11.

Conditions:
Cobalamin C disease. Also called: Methylmalonic aciduria with homocystinuria cblC type; Methylmalonic aciduria and homocystinuria, Vitamin B12-responsive; Vitamin B12 metabolic defect with combined deficiency of methylmalonyl-CoA mutase and homocysteine:methyltetrahydrofolate methyltransferase; methylmalonic aciduria and homocystinuria type cblC; Cobalamin-C methylmalonic acidemia and homocystinuria; Methylmalonic acidemia and homocystinuria cblC type. Identifiers: Orphanet 26, Orphanet 79282, MedGen C1848561, MONDO:0010184, OMIM 277400.

Submissions (6):

Genome-Nilou Lab
Classification: Pathogenic for Cobalamin C disease. Last evaluated: 2023-04-11. Review status: criteria provided, single submitter. Criteria: ACMG Guidelines, 2015. Collection method: clinical testing. Allele origin: germline. Affected: no.

Labcorp Genetics (formerly Invitae), Labcorp
Classification: Pathogenic for Cobalamin C disease. Last evaluated: 2022-07-10. Review status: criteria provided, single submitter. Criteria: Invitae Variant Classification Sherloc (09022015). Collection method: clinical testing. Allele origin: germline.
Comment: This sequence change creates a premature translational stop signal (p.Pro167Glnfs*3) in the MMACHC gene. While this is not anticipated to result in nonsense mediated decay, it is expected to disrupt the last 116 amino acid(s) of the MMACHC protein. For these reasons, this variant has been classified as Pathogenic. This variant disrupts a region of the MMACHC protein in which other variant(s) (p.Trp203*) have been determined to be pathogenic (PMID: 16311595, 20631720, 23954310, 27383490, 28327205). This suggests that this is a clinically significant region of the protein, and that variants that disrupt it are likely to be disease-causing. ClinVar contains an entry for this variant (Variation ID: 553370). This premature translational stop signal has been observed in individual(s) with cobalamin C deficiency (PMID: 26658511). This variant is not present in population databases (gnomAD no frequency).

Baylor Genetics
Classification: Pathogenic for Cobalamin C disease. Last evaluated: 2021-12-20. Review status: criteria provided, single submitter. Criteria: ACMG Guidelines, 2015. Collection method: clinical testing. Allele origin: unknown.

Women's Health and Genetics/Laboratory Corporation of America, LabCorp
Classification: Pathogenic for Methylmalonic acidemia with homocystinuria. Last evaluated: 2019-10-14. Review status: criteria provided, single submitter. Criteria: LabCorp Variant Classification Summary - May 2015. Collection method: clinical testing. Allele origin: germline.
Comment: Variant summary: MMACHC c.500delC (p.Pro167GlnfsX3) results in a premature termination codon, predicted to cause a truncation of the encoded protein or absence of the protein due to nonsense mediated decay, which are commonly known mechanisms for disease. Truncations downstream of this position have been classified as pathogenic by our laboratory. The variant was absent in 249506 control chromosomes (gnomAD). c.500delC has been reported in the literature in individuals affected with Cobalamin C Disease (Methylmalonic Aciduria with Homocystinuria)(Ahrens-Nicklas_2017, Lerner-Ellis_2006). These data indicate that the variant may be associated with disease. To our knowledge, no experimental evidence demonstrating an impact on protein function has been reported. A ClinVar submission (evaluation after 2014) cites the variant as pathogenic. Based on the evidence outlined above, the variant was classified as pathogenic.

Natera, Inc.
Classification: Pathogenic for Methylmalonic aciduria and homocystinuria cblC type. Last evaluated: 2019-12-02. Review status: no assertion criteria provided. Collection method: clinical testing. Allele origin: germline. Not counted in ClinVar's aggregate classification.

Counsyl
Classification: Pathogenic for Cobalamin C disease. Last evaluated: 2017-08-16. Review status: no assertion criteria provided. Collection method: clinical testing. Allele origin: unknown. Not counted in ClinVar's aggregate classification.

Literature cited by the submitters: PubMed 16311595 (cited by 3 submitters); PubMed 20631720 (cited by Labcorp Genetics (formerly Invitae), Labcorp); PubMed 23954310 (cited by Labcorp Genetics (formerly Invitae), Labcorp); PubMed 27383490 (cited by Labcorp Genetics (formerly Invitae), Labcorp); PubMed 28327205 (cited by Labcorp Genetics (formerly Invitae), Labcorp); PubMed 26658511 (cited by 3 submitters); PubMed 28151490 (cited by Women's Health and Genetics/Laboratory Corporation of America, LabCorp).